The following is an entry in ClinVar:

NM_022455.5(NSD1):c.5849T>G (p.Leu1950Ter)

Gene: NSD1 (nuclear receptor binding SET domain protein 1; plus strand). Cytogenetic location: 5q35.3.
Variant type: single nucleotide variant.
Coding change: c.5849T>G on transcript NM_022455.5 (MANE Select); coding-DNA position 5849, T replaced by G.
Protein change: p.Leu1950Ter; replaces leucine 1950 with a stop codon.
Molecular consequence: nonsense.
Genome position (GRCh38, 1-based): chr5:177,280,791, T>G. VCF-style: chr5-177280791-T-G. GRCh37 (hg19) VCF-style: chr5-176707792-T-G.
Other names: c.4976T>G, p.Leu1659Ter (NM_001365684.2, NM_001409308.1, NM_001409309.1 and 1 more transcripts); c.5849T>G, p.Leu1950Ter (NM_001409301.1, NM_001409302.1, NM_001409303.1); c.5429T>G, p.Leu1810Ter (NM_001409304.1); c.5096T>G, p.Leu1699Ter (NM_001409305.1); c.5087T>G, p.Leu1696Ter (NM_001409306.1, NM_001409307.1); short protein forms L1950*, L1681*, L1696*, L1659*, L1699*, L1810*.
Identifiers: ClinVar variation 659145 (VCV000659145.7), dbSNP rs1581527915, ClinGen allele CA362313706.

ClinVar aggregate classification (germline): Pathogenic (1 of 4 stars; one submission).

Submission:

Labcorp Genetics (formerly Invitae), Labcorp
Classification: Pathogenic. Last evaluated: 2025-05-06. Review status: criteria provided, single submitter. Criteria: Invitae Variant Classification Sherloc (09022015). Collection method: clinical testing. Allele origin: germline.
Comment: This sequence change creates a premature translational stop signal (p.Leu1950*) in the NSD1 gene. It is expected to result in an absent or disrupted protein product. Loss-of-function variants in NSD1 are known to be pathogenic (PMID: 12464997, 14571271, 15942875, 16247291). This variant is not present in population databases (gnomAD no frequency). This variant has not been reported in the literature in individuals affected with NSD1-related conditions. ClinVar contains an entry for this variant (Variation ID: 659145). For these reasons, this variant has been classified as Pathogenic.

Literature cited by the submitters: PubMed 12464997; PubMed 14571271; PubMed 15942875; PubMed 16247291.